The following is an entry in ClinVar:

ClinVar aggregate classification (germline): Likely pathogenic (1 of 4 stars; one submission).

Conditions:
Galactosemia. Also called: Galactose intolerance. Identifiers: Orphanet 352, MedGen C0016952, MONDO:0018116, HP:0004919. Disease mechanism: loss of function.

Submission:

Natera, Inc.
Classification: Likely pathogenic for Galactosemia. Last evaluated: 2025-07-30. Review status: criteria provided, single submitter. Criteria: Natera Variant Classification Schema (03/2026). Collection method: clinical testing. Allele origin: germline.
Comment: The c.152_154del variant in GALT is an in-frame deletion predicted to remove arginine at amino acid 51 while preserving the reading frame. This variant is rare in the general population with a frequency below the threshold expected for the associated phenotype(s). This variant has been observed in one or more individuals affected with the associated recessive disease, as either homozygous or compound heterozygous with a second variant (PMID: 30718057). This variant results in a change to the protein length while preserving reading frame, which may disrupt normal protein structure or function. Computational prediction algorithms indicate this variant is likely to affect gene or protein function. Given the available evidence, this variant is classified as Likely Pathogenic.

Literature cited by the submitters: PubMed 30718057.

NM_000155.4(GALT):c.152_154del (p.Arg51del)

Genes: GALT (galactose-1-phosphate uridylyltransferase; plus strand), LOC130001683 (ATAC-STARR-seq lymphoblastoid active region 28314; plus strand). Cytogenetic location: 9p13.3.
Variant type: Deletion.
Coding change: c.152_154del on transcript NM_000155.4 (MANE Select); coding-DNA positions 152 to 154, 3 bases deleted (GGC; older notation c.152_154delGGC).
Protein change: p.Arg51del; deletes arginine 51.
Molecular consequence: inframe deletion. On other transcripts: 5 prime UTR variant (1).
Genome position (GRCh38, 1-based): chr9:34,647,158-34,647,160, GGC deleted; deleting any 3 consecutive bases within chr9:34,647,156-34,647,160 gives the same sequence; the c. name uses the placement nearest the transcript's 3' end. VCF-style (leftmost placement, unchanged base first): chr9-34647155-AGCG-A. GRCh37 (hg19) VCF-style: chr9-34647152-AGCG-A.
Other names: c.-51_-49del (NM_001258332.2); short protein forms R51del.
Identifiers: ClinVar variation 4817620 (VCV004817620.1).
Genomic context (GRCh38, chr9:34,647,155, plus strand): 5'-AGCATATCCGCTACAACCCGCTGCAGGATGAGTGGGTGCTGGTGTCAGCTCACCGCATGA[AGCG>A]GCCCTGGCAGGGTCAAGTGGAGCCCCAGCTTCTGAAGACAGTGCCCCGCCATGACCCTCT-3'